The following is an entry in ClinVar:

NM_172107.4(KCNQ2):c.553G>T (p.Ala185Ser)

Gene: KCNQ2 (potassium voltage-gated channel subfamily Q member 2; minus strand). Cytogenetic location: 20q13.33.
Variant type: single nucleotide variant.
Coding change: c.553G>T on transcript NM_172107.4 (MANE Select); coding-DNA position 553, G replaced by T.
Protein change: p.Ala185Ser; replaces alanine 185 with serine.
Molecular consequence: missense variant.
Genome position (GRCh38, 1-based): chr20:63,444,796, C>A on the plus strand (G>T on the coding strand, the complement: KCNQ2 is on the minus strand). VCF-style: chr20-63444796-C-A. GRCh37 (hg19) VCF-style: chr20-62076149-C-A.
Other names: c.553G>T, p.Ala185Ser (NM_001382235.1, NM_004518.6, NM_172106.3 and 2 more transcripts); short protein forms A185S.
Identifiers: ClinVar variation 952406 (VCV000952406.13), dbSNP rs1600786349, ClinGen allele CA409654895.
Genomic context (GRCh38, chr20:63,444,796, plus strand): 5'-TCTGCAGGAAGCGCAGGCTCCGGAGCGCAGATGTGGCAAAGACGTTGCCCTGGGAGCCGG[C>A]GGCCAGCACCGCAATGGAGGCGATGAGCACCATGATGTCTACAAAGCGGGCGTGGAGCTG-3'
Protein context (NP_742105.1, residues 175-195): VLIASIAVLA[Ala185Ser]GSQGNVFATS

ClinVar aggregate classification (germline): Conflicting classifications of pathogenicity. Review status: criteria provided, conflicting classifications (1 of 4 stars). 3 submissions from 3 submitters: Pathogenic (2); Uncertain significance (1). Last evaluated 2025-07-07.

Conditions:
Developmental and epileptic encephalopathy, 7 (DEE7). Also called: Early infantile epileptic encephalopathy 7; KCNQ2-Related Neonatal Epileptic Encephalopathy; KCNQ2-Related Neonatal-Onset Developmental and Epileptic Encephalopathy (NEO-DEE). Identifiers: Orphanet 439218, MedGen C3150986, MONDO:0013387, OMIM 613720.
Early-infantile DEE. Also called: Ohtahara syndrome; Early infantile epileptic encephalopathy; Early infantile epileptic encephalopathy with suppression bursts. Identifiers: Orphanet 1934, MedGen C0393706, MONDO:0800491.

Submissions (3):

GeneDx
Classification: Pathogenic. Last evaluated: 2025-07-07. Review status: criteria provided, single submitter. Criteria: GeneDx Variant Classification Process June 2021. Collection method: clinical testing. Allele origin: germline. Affected: yes.
Comment: In silico analysis supports that this missense variant has a deleterious effect on protein structure/function; This substitution is predicted to be within the transmembrane segment S3; Not observed at significant frequency in large population cohorts (gnomAD); This variant is associated with the following publications: (PMID: 36801247)

Labcorp Genetics (formerly Invitae), Labcorp
Classification: Uncertain significance for Early-infantile DEE. Last evaluated: 2023-07-06. Review status: criteria provided, single submitter. Criteria: Invitae Variant Classification Sherloc (09022015). Collection method: clinical testing. Allele origin: germline.
Comment: This sequence change replaces alanine, which is neutral and non-polar, with serine, which is neutral and polar, at codon 185 of the KCNQ2 protein (p.Ala185Ser). This variant is not present in population databases (gnomAD no frequency). This variant has not been reported in the literature in individuals affected with KCNQ2-related conditions. ClinVar contains an entry for this variant (Variation ID: 952406). Advanced modeling of protein sequence and biophysical properties (such as structural, functional, and spatial information, amino acid conservation, physicochemical variation, residue mobility, and thermodynamic stability) performed at Invitae indicates that this missense variant is expected to disrupt KCNQ2 protein function. In summary, the available evidence is currently insufficient to determine the role of this variant in disease. Therefore, it has been classified as a Variant of Uncertain Significance.

Neuberg Centre For Genomic Medicine, NCGM
Classification: Pathogenic for Developmental and epileptic encephalopathy, 7. Review status: criteria provided, single submitter. Criteria: ACMG Guidelines, 2015. Collection method: clinical testing. Allele origin: germline. Affected: yes.
Comment: The missense variant p.A185S in KCNQ2 (NM_172107.4) has not been reported previously in affected individuals. It has been submitted to ClinVar as Uncertain Significance. The p.A185S variant is novel (not in any individuals) in gnomAD Exomes and is novel (not in any individuals) in 1000 Genomes. The p.A185S missense variant is predicted to be damaging by both SIFT and PolyPhen2. The alanine residue at codon 185 of KCNQ2 is conserved in all mammalian species. The nucleotide c.553 in KCNQ2 is predicted conserved by GERP++ and PhyloP across 100 vertebrates. For these reasons, this variant has been classified as Uncertain Significance.